The following is an entry in ClinVar:

NM_000135.4(FANCA):c.4260+35G>A

Genes: FANCA (FA complementation group A; minus strand), ZNF276 (zinc finger protein 276; plus strand). Cytogenetic location: 16q24.3.
Variant type: single nucleotide variant.
Coding change: c.4260+35G>A on transcript NM_000135.4 (MANE Select); 35 bases into the intron after coding-DNA position 4260, G replaced by A.
Molecular consequence: intron variant. On other transcripts: 3 prime UTR variant (2), non-coding transcript variant (4).
Genome position (GRCh38, 1-based): chr16:89,738,847, C>T on the plus strand (G>A on the coding strand, the complement: FANCA is on the minus strand). VCF-style: chr16-89738847-C-T. GRCh37 (hg19) VCF-style: chr16-89805255-C-T.
Other names: c.*601C>T (NM_001113525.2, NM_152287.4); c.4264+35G>A (NM_001286167.3).
Identifiers: ClinVar variation 3898539 (VCV003898539.7).

ClinVar aggregate classification (germline): Likely benign (1 of 4 stars; one submission).

gnomAD v4.1: 10 of 1,614,074 alleles (0.00062%); highest among the groups gnomAD compares: South Asian, 0.0011%; no homozygotes.

Submission:

CeGaT Center for Human Genetics Tuebingen
Classification: Likely benign. Last evaluated: 2025-04-01. Review status: criteria provided, single submitter. Criteria: CeGaT Center For Human Genetics Tuebingen Variant Classification Criteria Version 2. Collection method: clinical testing. Allele origin: germline. Affected: yes. Observed: 1 variant allele.
Comment: FANCA: BP4, BP7